The following is an entry in ClinVar:

ClinVar aggregate classification (germline): Conflicting classifications of pathogenicity. Review status: criteria provided, conflicting classifications (1 of 4 stars). 8 submissions from 8 submitters: Uncertain significance (1); Likely benign (4). 3 of the submissions do not count toward it. Last evaluated 2026-01-25.

Conditions:
CCBE1-related disorder. Also called: CCBE1-related condition.
Hennekam lymphangiectasia-lymphedema syndrome 1 (HKLLS1). Also called: LYMPHATIC DYSPLASIA, GENERALIZED. Identifiers: Orphanet 2136, MedGen C4012050, MONDO:0009337, OMIM 235510.

Allele frequency attached by ClinVar (database versions not stated): 1000 Genomes Project 30x 0.00016; 1000 Genomes Project 0.00020; ExAC 0.00038; ESP Exome Variant Server 0.00039; gnomAD exomes 0.00040; gnomAD 0.00048 and 0.00052; TOPMed 0.00053.
gnomAD v4.1: 1,005 of 1,557,536 alleles (0.065%); highest among the groups gnomAD compares: Non-Finnish European, 0.081%; no homozygotes.

Submissions (8):

Labcorp Genetics (formerly Invitae), Labcorp
Classification: Likely benign. Last evaluated: 2026-01-25. Review status: criteria provided, single submitter. Criteria: Invitae Variant Classification Sherloc (09022015). Collection method: clinical testing. Allele origin: germline.

Women's Health and Genetics/Laboratory Corporation of America, LabCorp
Classification: Likely benign. Last evaluated: 2025-04-15. Review status: criteria provided, single submitter. Criteria: LabCorp Variant Classification Summary - May 2015. Collection method: clinical testing. Allele origin: germline.

Blueprint Genetics
Classification: Likely benign. Last evaluated: 2024-09-13. Review status: criteria provided, single submitter. Criteria: ACMG Guidelines, 2015. Collection method: clinical testing. Allele origin: germline.

ARUP Laboratories, Molecular Genetics and Genomics, ARUP Laboratories
Classification: Likely benign for Hennekam lymphangiectasia-lymphedema syndrome 1. Last evaluated: 2022-03-31. Review status: criteria provided, single submitter. Criteria: ARUP Molecular Germline Variant Investigation Process 2021. Collection method: clinical testing. Allele origin: germline.

Illumina Laboratory Services, Illumina
Classification: Uncertain significance for Hennekam lymphangiectasia-lymphedema syndrome 1. Last evaluated: 2018-01-13. Review status: criteria provided, single submitter. Criteria: ICSL Variant Classification Criteria 13 December 2019. Collection method: clinical testing. Allele origin: germline.

PreventionGenetics, part of Exact Sciences
Classification: Likely benign for CCBE1-related condition. Last evaluated: 2024-04-02. Review status: no assertion criteria provided. Collection method: clinical testing. Allele origin: germline. Not counted in ClinVar's aggregate classification.
Comment: This variant is classified as likely benign based on ACMG/AMP sequence variant interpretation guidelines (Richards et al. 2015 PMID: 25741868, with internal and published modifications).

Clinical Genetics DNA and cytogenetics Diagnostics Lab, Erasmus MC, Erasmus Medical Center
Classification: Likely benign. Review status: no assertion criteria provided. Collection method: clinical testing. Allele origin: germline. Affected: yes. Study: VKGL Data-share Consensus. Not counted in ClinVar's aggregate classification.

Clinical Genetics, Academic Medical Center
Classification: Benign. Review status: no assertion criteria provided. Collection method: clinical testing. Allele origin: germline. Affected: yes. Study: VKGL Data-share Consensus. Not counted in ClinVar's aggregate classification.

NM_133459.4(CCBE1):c.265+8A>C

Gene: CCBE1 (collagen and calcium binding EGF domains 1; minus strand). Cytogenetic location: 18q21.32.
Variant type: single nucleotide variant.
Coding change: c.265+8A>C on transcript NM_133459.4 (MANE Select); 8 bases into the intron after coding-DNA position 265, A replaced by C.
Molecular consequence: intron variant.
Genome position (GRCh38, 1-based): chr18:59,480,178, T>G on the plus strand (A>C on the coding strand, the complement: CCBE1 is on the minus strand). VCF-style: chr18-59480178-T-G. GRCh37 (hg19) VCF-style: chr18-57147410-T-G.
Other names: c.265+8A>C (LRG_1209t1).
Identifiers: ClinVar variation 327708 (VCV000327708.24), dbSNP rs181010692, ClinGen allele CA8980577.
Genomic context (GRCh38, chr18:59,480,178, plus strand): 5'-TGAAGTTGATAGACTTTGAATGATTAGTTGTGAATAAAGTCAGACAATATCTTTTTTATA[T>G]TACATACCTTCTGGGATGCATTGTCCAAGAACAAATTTATATCCTTTGCAGCACTTTTTC-3'